The following is an entry in ClinVar:

ClinVar aggregate classification (germline): Likely pathogenic (1 of 4 stars; one submission).

Conditions:
alpha Thalassemia. Also called: Alpha thalassemia spectrum. Identifiers: Orphanet 846, MedGen C0002312, MONDO:0011399, OMIM 604131.

Submission:

Natera, Inc.
Classification: Likely pathogenic for Alpha thalassemia. Last evaluated: 2026-01-14. Review status: criteria provided, single submitter. Criteria: Natera Variant Classification Schema (03/2026). Collection method: clinical testing. Allele origin: germline.
Comment: The c.168_300+35del variant in HBA1 is a deletion affecting a canonical splice donor site. This variant is expected to result in nonsense mediated decay, truncation, or a dysfunctional protein product. This variant is rare in the general population with a frequency below the threshold expected for the associated phenotype(s). Given the available evidence, this variant is classified as Likely Pathogenic.

NM_000558.5(HBA1):c.168_300+35del

Genes: HBA1 (hemoglobin subunit alpha 1; plus strand), LOC106804613 (hemoglobin subunit alpha 1 recombination region; plus strand). Cytogenetic location: 16p13.3.
Variant type: Deletion.
Coding change: c.168_300+35del on transcript NM_000558.5 (MANE Select); coding-DNA position 168 through 35 bases into the intron after coding-DNA position 300, 168 bases deleted.
Molecular consequence: splice donor variant.
Genome position (GRCh38, 1-based): chr16:177,001-177,168, 168 bases deleted. GRCh37 (hg19): chr16:227,000-227,167.
Identifiers: ClinVar variation 4814380 (VCV004814380.1).